The following is an entry in ClinVar:

NM_020937.4(FANCM):c.3853C>T (p.His1285Tyr)

Gene: FANCM (FA complementation group M; plus strand). Cytogenetic location: 14q21.2.
Variant type: single nucleotide variant.
Coding change: c.3853C>T on transcript NM_020937.4 (MANE Select); coding-DNA position 3853, C replaced by T.
Protein change: p.His1285Tyr; replaces histidine 1285 with tyrosine.
Molecular consequence: missense variant.
Genome position (GRCh38, 1-based): chr14:45,176,607, C>T. VCF-style: chr14-45176607-C-T. GRCh37 (hg19) VCF-style: chr14-45645810-C-T.
Other names: c.3775C>T, p.His1259Tyr (NM_001308133.2); short protein forms H1259Y, H1285Y.
Identifiers: ClinVar variation 4826006 (VCV004826006.1).
Genomic context (GRCh38, chr14:45,176,607, plus strand): 5'-GAAATTAAGGAGATAAGTGATGCAAATTATGTTTCGAATCAAGCACTAATACCAAGAGAT[C>T]ATAGTAAAAATTTTACTAGTGGAACTGTTATTATCCCATCAAATGAAGATATGCAGAATC-3'
Protein context (NP_065988.1, residues 1275-1295): VSNQALIPRD[His1285Tyr]SKNFTSGTVI

ClinVar aggregate classification (germline): Uncertain significance (1 of 4 stars; one submission).

Conditions:
Inborn genetic diseases. Identifiers: MedGen C0950123, MeSH D030342.

gnomAD v4.1: 5 of 1,609,790 alleles (0.00031%); highest among the groups gnomAD compares: Non-Finnish European, 0.00042%; no homozygotes.

Submission:

Ambry Genetics
Classification: Uncertain significance for Inborn genetic diseases. Last evaluated: 2026-02-28. Review status: criteria provided, single submitter. Criteria: Ambry Variant Classification Scheme 2023. Collection method: clinical testing. Allele origin: germline.
Comment: The p.H1285Y variant (also known as c.3853C>T), located in coding exon 14 of the FANCM gene, results from a C to T substitution at nucleotide position 3853. The histidine at codon 1285 is replaced by tyrosine, an amino acid with similar properties. This amino acid position is conserved. In addition, this alteration is predicted to be tolerated by in silico analysis. Based on the available evidence, the clinical significance of this variant remains unclear.